The following is an entry in ClinVar:

NM_000059.4(BRCA2):c.9486_9488del (p.Met3162_Lys3163delinsIle)

Gene: BRCA2 (BRCA2 DNA repair associated; plus strand). Cytogenetic location: 13q13.1.
Variant type: Deletion.
Coding change: c.9486_9488del on transcript NM_000059.4 (MANE Select); coding-DNA positions 9486 to 9488, 3 bases deleted (GAA; older notation c.9486_9488delGAA).
Protein change: p.Met3162_Lys3163delinsIle.
Molecular consequence: inframe indel.
Genome position (GRCh38, 1-based): chr13:32,394,918-32,394,920, GAA deleted. VCF-style (leftmost placement, unchanged base first): chr13-32394917-TGAA-T. GRCh37 (hg19) VCF-style: chr13-32969054-TGAA-T.
Other names: c.9486_9488delGAA (NM_000059.3).
Identifiers: ClinVar variation 666170 (VCV000666170.15), dbSNP rs1566259249, ClinGen allele CA915948626.
Genomic context (GRCh38, chr13:32,394,917, plus strand): 5'-ATTTTTCTGTGTTTTCTGCTAGTCCAAAAGAGGGCCACTTTCAAGAGACATTCAACAAAA[TGAA>T]AAATACTGTTGAGGTAAGGTTACTTTTCAGCATCACCACACATTTTGGTATTTTTCTATT-3'

ClinVar aggregate classification (germline): Uncertain significance. Review status: criteria provided, multiple submitters, no conflicts (2 of 4 stars). 3 submissions from 3 submitters: Uncertain significance (3). Last evaluated 2025-11-15.

Conditions:
Hereditary breast ovarian cancer syndrome. Also called: BRCA1- and BRCA2-Associated Hereditary Breast and Ovarian Cancer; Breast and ovarian cancer; Hereditary breast and ovarian cancer syndrome (HBOC); Hereditary breast and ovarian cancer; Hereditary breast and ovarian cancer syndrome; Hereditary breast and/or ovarian cancer syndrome. Identifiers: Orphanet 145, MedGen C0677776, MeSH D061325, MONDO:0003582. Disease mechanism: loss of function.
Hereditary cancer-predisposing syndrome. Also called: Tumor predisposition; Hereditary neoplastic syndrome; Neoplastic Syndromes, Hereditary; Hereditary Cancer Syndrome. Identifiers: Orphanet 140162, MedGen C0027672, MeSH D009386, MONDO:0015356.

Allele frequency attached by ClinVar (database versions not stated): gnomAD exomes below 0.00001.

Submissions (3):

Labcorp Genetics (formerly Invitae), Labcorp
Classification: Uncertain significance for Hereditary breast ovarian cancer syndrome. Last evaluated: 2025-11-15. Review status: criteria provided, single submitter. Criteria: Invitae Variant Classification Sherloc (09022015). Collection method: clinical testing. Allele origin: germline.
Comment: This variant, c.9486_9488del, is a complex sequence change that results in the deletion of 2 and insertion of 1 amino acid(s) in the BRCA2 protein (p.Met3162_Lys3163delinsIle). This variant is not present in population databases (gnomAD no frequency). This variant has not been reported in the literature in individuals affected with BRCA2-related conditions. ClinVar contains an entry for this variant (Variation ID: 666170). Experimental studies and prediction algorithms are not available or were not evaluated, and the functional significance of this variant is currently unknown. In summary, the available evidence is currently insufficient to determine the role of this variant in disease. Therefore, it has been classified as a Variant of Uncertain Significance.

Ambry Genetics
Classification: Uncertain significance for Hereditary cancer-predisposing syndrome. Last evaluated: 2024-01-08. Review status: criteria provided, single submitter. Criteria: Ambry Variant Classification Scheme 2023. Collection method: clinical testing. Allele origin: germline.
Comment: The c.9486_9488delGAA variant (also known as p.M3162_K3163delinsI) is located in coding exon 24 of the BRCA2 gene, results from an in-frame deletion of GAA at nucleotide positions 9486 to 9488. This results in the deletion of methionine and lysine residues and the insertion of an isoleucine at codons 3162 to 3163. This alteration has been reported as a variant of unknown significance in a cohort of 134 patients with unselected primary ovarian cancer (Ratajska M et al, 2015 May;56:193-8). These amino acid positions are not well conserved in available vertebrate species. In addition, the in silico prediction for this alteration is inconclusive (Choi Y et al. PLoS ONE. 2012; 7(10):e46688). Since supporting evidence is limited at this time, the clinical significance of this alteration remains unclear.

Color Diagnostics, LLC DBA Color Health
Classification: Uncertain significance for Hereditary cancer-predisposing syndrome. Last evaluated: 2019-06-19. Review status: criteria provided, single submitter. Criteria: ACMG Guidelines, 2015. Collection method: clinical testing. Allele origin: germline.

Literature cited by the submitters: PubMed 25186627 (cited by Ambry Genetics); PubMed 25366421 (cited by Ambry Genetics).